The following is an entry in ClinVar:

NM_139343.3(BIN1):c.*1C>T

Gene: BIN1 (bridging integrator 1; minus strand). Cytogenetic location: 2q14.3.
Variant type: single nucleotide variant.
Coding change: c.*1C>T on transcript NM_139343.3 (MANE Select); 1 bases downstream of the stop codon, C replaced by T.
Molecular consequence: 3 prime UTR variant.
Genome position (GRCh38, 1-based): chr2:127,048,525, G>A on the plus strand (C>T on the coding strand, the complement: BIN1 is on the minus strand). VCF-style: chr2-127048525-G-A. GRCh37 (hg19) VCF-style: chr2-127806101-G-A.
Other names: c.*1C>T (NM_001320632.2, NM_001320633.2, NM_001320634.1 and 12 more transcripts).
Identifiers: ClinVar variation 389326 (VCV000389326.7), dbSNP rs770804438, ClinGen allele CA1856922.

ClinVar aggregate classification (germline): Conflicting classifications of pathogenicity. Review status: criteria provided, conflicting classifications (1 of 4 stars). 2 submissions from 2 submitters: Uncertain significance (1); Likely benign (1). Last evaluated 2023-10-20.

Conditions:
Myopathy, centronuclear, 2 (CNM2). Also called: MYOTUBULAR MYOPATHY, AUTOSOMAL RECESSIVE. Identifiers: Orphanet 169186, MedGen CN031787, MONDO:0009709, OMIM 255200.

Allele frequency attached by ClinVar (database versions not stated): gnomAD 0.00007 and 0.00006; gnomAD exomes 0.00004; TOPMed 0.00006; ExAC 0.00007; 1000 Genomes Project 30x 0.00016.
gnomAD v4.1: 80 of 1,613,736 alleles (0.005%); highest among the groups gnomAD compares: Middle Eastern, 0.083%; no homozygotes.

Submissions (2):

GeneDx
Classification: Likely benign. Last evaluated: 2023-10-20. Review status: criteria provided, single submitter. Criteria: GeneDx Variant Classification Process June 2021. Collection method: clinical testing. Allele origin: germline. Affected: yes.
Comment: See Variant Classification Assertion Criteria.

Illumina Laboratory Services, Illumina
Classification: Uncertain significance for Myopathy, centronuclear, 2. Last evaluated: 2017-04-27. Review status: criteria provided, single submitter. Criteria: ICSL Variant Classification Criteria 13 December 2019. Collection method: clinical testing. Allele origin: germline.